The following is an entry in ClinVar:

NM_018075.5(ANO10):c.661_662delinsT (p.Ala221fs)

Gene: ANO10 (anoctamin 10; minus strand). Cytogenetic location: 3p22.1.
Variant type: Indel.
Coding change: c.661_662delinsT on transcript NM_018075.5 (MANE Select); coding-DNA positions 661 to 662, GC replaced by T.
Protein change: p.Ala221fs; shifts the reading frame from alanine 221.
Molecular consequence: frameshift variant. On other transcripts: intron variant (1).
Genome position (GRCh38, 1-based): chr3:43,577,192-43,577,193, GC replaced by A on the plus strand (GC replaced by T on the coding strand, the reverse complement: ANO10 is on the minus strand). VCF-style: chr3-43577192-GC-A. GRCh37 (hg19) VCF-style: chr3-43618684-GC-A.
Other names: c.661_662delinsT, p.Ala221fs (NM_001204831.3, NM_001346463.2, NM_001346464.2 and 3 more transcripts); c.463_464delinsT, p.Ala155fs (NM_001204832.3, NM_001346466.2, NM_001346469.2); c.328_329delinsT, p.Ala110fs (NM_001204833.3); c.593-2329_593-2328delinsT (NM_001204834.3); short protein forms A110fs, A155fs, A221fs.
Identifiers: ClinVar variation 5016275 (VCV005016275.1).

ClinVar aggregate classification (germline): Pathogenic (1 of 4 stars; one submission).

Conditions:
Autosomal recessive spinocerebellar ataxia 10. Identifiers: Orphanet 284289, MedGen C3150998, MONDO:0013392, OMIM 613728.

Submission:

Myriad Genetics, Inc.
Classification: Pathogenic for Autosomal recessive spinocerebellar ataxia 10. Last evaluated: 2026-08-24. Review status: criteria provided, single submitter. Criteria: Myriad Autosomal Dominant, Autosomal Recessive and X-Linked Classification Criteria (2023). Collection method: clinical testing. Allele origin: unknown.
Comment: NM_018075.3(ANO10):c.661_662delGCinsT(A221Yfs*2) is expected to be pathogenic in the context of spinocerebellar ataxia, ANO10-related. This variant is predicted to lead to an abnormal or absent protein product due to the creation of a premature termination codon in ANO10, a gene where loss-of-function variants are known to be pathogenic. Please note: this variant was assessed in the context of healthy population screening.